The following is an entry in ClinVar:

ClinVar aggregate classification (germline): Uncertain significance. Review status: criteria provided, multiple submitters, no conflicts (2 of 4 stars). 4 submissions from 4 submitters: Uncertain significance (4). Last evaluated 2025-12-08.

Conditions:
Hereditary cancer-predisposing syndrome. Also called: Neoplastic Syndromes, Hereditary; Hereditary Cancer Syndrome; Tumor predisposition; Hereditary neoplastic syndrome. Identifiers: Orphanet 140162, MedGen C0027672, MeSH D009386, MONDO:0015356.
Familial cancer of breast. Also called: BREAST CANCER, FAMILIAL; hereditary breast carcinoma; Hereditary breast cancer. Identifiers: Orphanet 227535, MedGen C0346153, MONDO:0016419, OMIM 114480. Disease mechanism: loss of function.
Ataxia-telangiectasia syndrome (AT). Also called: Ataxia-telangiectasia, complementation group D; AT, COMPLEMENTATION GROUP C; Ataxia-telangiectasia; ATAXIA-TELANGIECTASIA, COMPLEMENTATION GROUP A; ATAXIA-TELANGIECTASIA, FRESNO VARIANT; Ataxia-telangiectasia, complementation group E. Identifiers: Orphanet 100, MedGen C0004135, MONDO:0008840, OMIM 208900.

Allele frequency attached by ClinVar (database versions not stated): gnomAD 0.00001; TOPMed 0.00001.
gnomAD v4.1: 1 of 1,610,182 alleles (0.000062%); highest among the groups gnomAD compares: African/African-American, 0.0013%; no homozygotes.

Submissions (4):

Ambry Genetics
Classification: Uncertain significance for Hereditary cancer-predisposing syndrome. Last evaluated: 2025-12-08. Review status: criteria provided, single submitter. Criteria: Ambry Variant Classification Scheme 2023. Collection method: clinical testing. Allele origin: germline.
Comment: The p.A2262P variant (also known as c.6784G>C), located in coding exon 45 of the ATM gene, results from a G to C substitution at nucleotide position 6784. The alanine at codon 2262 is replaced by proline, an amino acid with highly similar properties. In an assay testing ATM function, this variant showed a functionally abnormal result (Lee KS et al. Cell, 2025 Sep;188:5081-5099.e27). This amino acid position is highly conserved in available vertebrate species. In addition, this alteration is predicted to be deleterious by in silico analysis. Based on the available evidence, the clinical significance of this variant remains unclear.

Labcorp Genetics (formerly Invitae), Labcorp
Classification: Uncertain significance for Ataxia-telangiectasia syndrome. Last evaluated: 2025-11-18. Review status: criteria provided, single submitter. Criteria: Invitae Variant Classification Sherloc (09022015). Collection method: clinical testing. Allele origin: germline.
Comment: This sequence change replaces alanine, which is neutral and non-polar, with proline, which is neutral and non-polar, at codon 2262 of the ATM protein (p.Ala2262Pro). This variant is not present in population databases (gnomAD no frequency). This missense change has been observed in individual(s) with ataxia-telangiectasia (PMID: 17298726). In at least one individual the data is consistent with being in trans (on the opposite chromosome) from a pathogenic variant. It has also been observed to segregate with disease in related individuals. ClinVar contains an entry for this variant (Variation ID: 141347). Invitae Evidence Modeling of protein sequence and biophysical properties (such as structural, functional, and spatial information, amino acid conservation, physicochemical variation, residue mobility, and thermodynamic stability) has been performed for this missense variant. However, the output from this modeling did not meet the statistical confidence thresholds required to predict the impact of this variant on ATM protein function. In summary, the available evidence is currently insufficient to determine the role of this variant in disease. Therefore, it has been classified as a Variant of Uncertain Significance.

Women's Health and Genetics/Laboratory Corporation of America, LabCorp
Classification: Uncertain significance. Last evaluated: 2024-09-13. Review status: criteria provided, single submitter. Criteria: LabCorp Variant Classification Summary - May 2015. Collection method: clinical testing. Allele origin: germline.
Comment: Variant summary: ATM c.6784G>C (p.Ala2262Pro) results in a non-conservative amino acid change located in the PIK-related kinase, FAT domain (IPR003151) of the encoded protein sequence. Five of five in-silico tools predict a damaging effect of the variant on protein function. The variant was absent in 248320 control chromosomes. The available data on variant occurrences in the general population are insufficient to allow any conclusion about variant significance. c.6784G>C has been reported in the literature in at least one individual affected with Ataxia-Telangiectasia, however without strong evidence for causality (e.g., Verlinsky_2007). These report(s) do not provide unequivocal conclusions about association of the variant with Ataxia-Telangiectasia. To our knowledge, no experimental evidence demonstrating an impact on protein function has been reported. The following publication have been ascertained in the context of this evaluation (PMID: 17298726). ClinVar contains an entry for this variant (Variation ID: 141347). Based on the evidence outlined above, the variant was classified as uncertain significance.

Baylor Genetics
Classification: Uncertain significance for Familial cancer of breast. Last evaluated: 2024-02-03. Review status: criteria provided, single submitter. Criteria: ACMG Guidelines, 2015. Collection method: clinical testing. Allele origin: unknown.

Literature cited by the submitters: PubMed 29684080 (cited by Ambry Genetics); PubMed 40580951 (cited by Ambry Genetics); PubMed 17298726 (cited by Labcorp Genetics (formerly Invitae), Labcorp and Women's Health and Genetics/Laboratory Corporation of America, LabCorp).

NM_000051.4(ATM):c.6784G>C (p.Ala2262Pro)

Genes: ATM (ATM serine/threonine kinase; plus strand), C11orf65 (chromosome 11 open reading frame 65; minus strand). Cytogenetic location: 11q22.3.
Variant type: single nucleotide variant.
Coding change: c.6784G>C on transcript NM_000051.4 (MANE Select); coding-DNA position 6784, G replaced by C.
Protein change: p.Ala2262Pro; replaces alanine 2262 with proline.
Molecular consequence: missense variant. On other transcripts: intron variant (2).
Genome position (GRCh38, 1-based): chr11:108,325,521, G>C. VCF-style: chr11-108325521-G-C. GRCh37 (hg19) VCF-style: chr11-108196248-G-C.
Other names: c.6784G>C, p.Ala2262Pro (NM_001351834.2); c.641-16450C>G (NM_001330368.2); c.*38+9699C>G (NM_001351110.2); short protein forms A2262P.
Identifiers: ClinVar variation 141347 (VCV000141347.17), dbSNP rs587781674, ClinGen allele CA165168.